The following is an entry in ClinVar:

ClinVar aggregate classification (germline): Uncertain significance (1 of 4 stars; one submission).

Conditions:
Combined oxidative phosphorylation deficiency 55 (COXPD55). Identifiers: MedGen C5676915, MONDO:0859228, OMIM 619743.

Submission:

Laboratorio de Genetica e Diagnostico Molecular, Hospital Israelita Albert Einstein
Classification: Uncertain significance for Combined oxidative phosphorylation deficiency 55. Last evaluated: 2024-04-11. Review status: criteria provided, single submitter. Criteria: ACMG Guidelines, 2015. Collection method: clinical testing. Allele origin: germline. Affected: yes.
Comment: ACMG classification criteria: PM2 supporting

NM_005035.4(POLRMT):c.3423-1G>A

Gene: POLRMT (RNA polymerase mitochondrial; minus strand). Cytogenetic location: 19p13.3.
Variant type: single nucleotide variant.
Coding change: c.3423-1G>A on transcript NM_005035.4 (MANE Select); the canonical splice acceptor site of the intron before coding-DNA position 3423, G replaced by A.
Molecular consequence: splice acceptor variant. On other transcripts: missense variant (7), non-coding transcript variant (1).
Genome position (GRCh38, 1-based): chr19:617,850, C>T on the plus strand (G>A on the coding strand, the complement: POLRMT is on the minus strand). VCF-style: chr19-617850-C-T. GRCh37 (hg19) VCF-style: chr19-617850-C-T.
Other names: c.3443G>A, p.Arg1148Lys (NM_001407805.1); c.3434G>A, p.Arg1145Lys (NM_001407806.1); c.3431G>A, p.Arg1144Lys (NM_001407807.1); c.3401G>A, p.Arg1134Lys (NM_001407811.1); c.3365G>A, p.Arg1122Lys (NM_001407814.1); c.3320G>A, p.Arg1107Lys (NM_001407829.1); c.3119G>A, p.Arg1040Lys (NM_001407831.1); c.3381-1G>A (NM_001407813.1); and 11 more; short protein forms R1040K, R1107K, R1122K, R1134K, R1144K, R1145K, R1148K.
Identifiers: ClinVar variation 4056760 (VCV004056760.1).
Genomic context (GRCh38, chr19:617,850, plus strand): 5'-GAGACATCAGCTGCGTGAGTCCAGTAACAGTCGTGCACAGAGACGAAGGTCAGGCCCTTC[C>T]TGTGGCAGAGCGGAGGACTCCTGAAGGGAGGGGAGCTCACAGGGCCACCCAGTGACCAGC-3'